The following is an entry in ClinVar:

NM_002458.3(MUC5B):c.16189G>A (p.Asp5397Asn)

Gene: MUC5B (mucin 5B, oligomeric mucus/gel-forming; plus strand). Cytogenetic location: 11p15.5.
Variant type: single nucleotide variant.
Coding change: c.16189G>A on transcript NM_002458.3 (MANE Select); coding-DNA position 16189, G replaced by A.
Protein change: p.Asp5397Asn; replaces aspartic acid 5397 with asparagine.
Molecular consequence: missense variant.
Genome position (GRCh38, 1-based): chr11:1,256,723, G>A. VCF-style: chr11-1256723-G-A. GRCh37 (hg19) VCF-style: chr11-1277953-G-A.
Other names: short protein forms D5397N.
Identifiers: ClinVar variation 737284 (VCV000737284.22), dbSNP rs55741856, ClinGen allele CA5809304.

ClinVar aggregate classification (germline): Benign. Review status: criteria provided, multiple submitters, no conflicts (2 of 4 stars). 2 submissions from 2 submitters: Benign (2). Last evaluated 2024-07-01.

Allele frequency attached by ClinVar (database versions not stated): gnomAD 0.00582 and 0.00564; ExAC 0.00645; gnomAD exomes 0.00683; ESP Exome Variant Server 0.00048; TOPMed 0.00067; 1000 Genomes Project 30x 0.00265; 1000 Genomes Project 0.00300.
gnomAD v4.1: 5,046 of 1,561,428 alleles (0.32%); highest among the groups gnomAD compares: East Asian, 1.5%; 139 homozygotes.

Submissions (2):

CeGaT Center for Human Genetics Tuebingen
Classification: Benign. Last evaluated: 2024-07-01. Review status: criteria provided, single submitter. Criteria: CeGaT Center For Human Genetics Tuebingen Variant Classification Criteria Version 2. Collection method: clinical testing. Allele origin: germline. Affected: yes. Observed: 1 variant allele.
Comment: MUC5B: BP4, BS1, BS2

Labcorp Genetics (formerly Invitae), Labcorp
Classification: Benign. Last evaluated: 2019-12-31. Review status: criteria provided, single submitter. Criteria: Invitae Variant Classification Sherloc (09022015). Collection method: clinical testing. Allele origin: germline.